The following is an entry in ClinVar:

NM_000257.4(MYH7):c.5589G>C (p.Arg1863=)

Gene: MYH7 (myosin heavy chain 7; minus strand). Cytogenetic location: 14q11.2.
Variant type: single nucleotide variant.
Coding change: c.5589G>C on transcript NM_000257.4 (MANE Select); coding-DNA position 5589, G replaced by C.
Protein change: p.Arg1863=; no amino-acid change (arginine 1863 retained).
Molecular consequence: synonymous variant.
Genome position (GRCh38, 1-based): chr14:23,414,073, C>G on the plus strand (G>C on the coding strand, the complement: MYH7 is on the minus strand). VCF-style: chr14-23414073-C-G. GRCh37 (hg19) VCF-style: chr14-23883282-C-G.
Other names: c.5589G>C, p.Arg1863= (NM_001407004.1).
Identifiers: ClinVar variation 2691220 (VCV002691220.6), dbSNP rs768534661, ClinGen allele CA047598.
Genomic context (GRCh38, chr14:23,414,073, plus strand): 5'-CTCGGCCTGGCGCTTGTAGGCCTTGACCTTTAGCTGCAGCTTGTCTACCAGGTCCTGCAG[C>G]CGCAGCAGGTTTTTCCTGTCCTCCTCCGTCTGGGGGCCAGAGGGTAGGCAGGGGGTGAAG-3'
Protein context (NP_000248.2, residues 1853-1873): QTEEDRKNLL[Arg1863=]LQDLVDKLQL

ClinVar aggregate classification (germline): Likely benign. Review status: criteria provided, multiple submitters, no conflicts (2 of 4 stars). 4 submissions from 4 submitters: Likely benign (4). Last evaluated 2024-06-06.

Conditions:
Cardiomyopathy (CMYO). Also called: Cardiomyopathies. Identifiers: Orphanet 167848, MedGen C0878544, MONDO:0004994, HP:0001638. Inheritance: Various modes of inheritance.
Hypertrophic cardiomyopathy. Also called: HYPERTROPHIC MYOCARDIOPATHY. Identifiers: Orphanet 217569, MedGen C0007194, MeSH D002312, MONDO:0005045, HP:0001639.

Submissions (4):

Women's Health and Genetics/Laboratory Corporation of America, LabCorp
Classification: Likely benign. Last evaluated: 2024-06-06. Review status: criteria provided, single submitter. Criteria: LabCorp Variant Classification Summary - May 2015. Collection method: clinical testing. Allele origin: germline.
Comment: Variant summary: MYH7 c.5589G>C alters a conserved nucleotide resulting in a synonymous change. Consensus agreement among computation tools predict no significant impact on normal splicing. However, these predictions have yet to be confirmed by functional studies. The variant allele was found at a frequency of 1.2e-05 in 251148 control chromosomes, predominantly at a frequency of 2.6e-05 within the Non-Finnish European subpopulation in the gnomAD database. The available data on variant occurrences in the general population are insufficient to allow any conclusion about variant significance. To our knowledge, no occurrence of c.5589G>C in individuals affected with Cardiomyopathy and no experimental evidence demonstrating its impact on protein function have been reported. ClinVar contains an entry for this variant (Variation ID: 2691220). Based on the evidence outlined above, the variant was classified as likely benign.

All of Us Research Program, National Institutes of Health
Classification: Likely benign for Cardiomyopathy. Last evaluated: 2023-12-13. Review status: criteria provided, single submitter. Criteria: ACMG Guidelines, 2015. Collection method: clinical testing. Allele origin: germline. Inheritance: Autosomal dominant inheritance. Observed: 3 variant alleles, 3 heterozygotes.
Comment: This study involves interpretation of variants in research participants for the purpose of population health screening. Participant phenotype was not available at the time of variant classification. Additional details can be found in publication PMID: 35346344, PMCID: PMC8962531

Labcorp Genetics (formerly Invitae), Labcorp
Classification: Likely benign for Hypertrophic cardiomyopathy. Last evaluated: 2023-03-11. Review status: criteria provided, single submitter. Criteria: Invitae Variant Classification Sherloc (09022015). Collection method: clinical testing. Allele origin: germline.

CHEO Genetics Diagnostic Laboratory, Children's Hospital of Eastern Ontario
Classification: Likely benign for Cardiomyopathy. Last evaluated: 2022-11-23. Review status: criteria provided, single submitter. Criteria: ACMG Guidelines, 2015. Collection method: clinical testing. Allele origin: germline.